The following is an entry in ClinVar:

NM_000304.4(PMP22):c.138del (p.Ser47fs)

Gene: PMP22 (peripheral myelin protein 22; minus strand). Cytogenetic location: 17p12.
Variant type: Deletion.
Coding change: c.138del on transcript NM_000304.4 (MANE Select); coding-DNA position 138, one base deleted (C; older notation c.138delC).
Protein change: p.Ser47fs; shifts the reading frame from serine 47.
Molecular consequence: frameshift variant. On other transcripts: non-coding transcript variant (1).
Genome position (GRCh38, 1-based): chr17:15,259,134, G deleted on the plus strand (C on the coding strand, the reverse complement: PMP22 is on the minus strand); the first of 2 consecutive G bases (chr17:15,259,134-15,259,135); deleting either gives the same sequence. VCF-style (leftmost placement, unchanged base first): chr17-15259133-AG-A. GRCh37 (hg19) VCF-style: chr17-15162450-AG-A.
Other names: c.138del, p.Ser47fs (NM_001281455.2, NM_001281456.2, NM_001330143.2 and 2 more transcripts); short protein forms S47fs.
Identifiers: ClinVar variation 219616 (VCV000219616.8), dbSNP rs864622180, ClinGen allele CA350118.

ClinVar aggregate classification (germline): Pathogenic/Likely pathogenic. Review status: criteria provided, multiple submitters, no conflicts (2 of 4 stars). 3 submissions from 3 submitters: Pathogenic (1); Likely pathogenic (1). 1 of the submissions does not count toward it. Last evaluated 2026-01-27.

Conditions:
Charcot-Marie-Tooth disease. Also called: Charcot-Marie-Tooth Hereditary Neuropathy; Charcot-Marie-Tooth Neuropathy. Identifiers: Orphanet 166, MedGen C0007959, MONDO:0015626.
Charcot-Marie-Tooth disease, type I (CMT1). Also called: Charcot-Marie-Tooth, Type 1; Charcot-Marie-Tooth disease type 1. Identifiers: Orphanet 65753, MedGen C0751036, MONDO:0019011.

Submissions (3):

Labcorp Genetics (formerly Invitae), Labcorp
Classification: Pathogenic for Charcot-Marie-Tooth disease, type I. Last evaluated: 2026-01-27. Review status: criteria provided, single submitter. Criteria: Invitae Variant Classification Sherloc (09022015). Collection method: clinical testing. Allele origin: germline.
Comment: This sequence change creates a premature translational stop signal (p.Ser47Glnfs*23) in the PMP22 gene. It is expected to result in an absent or disrupted protein product. Loss-of-function variants in PMP22 are known to be pathogenic (PMID: 23224996). This variant is not present in population databases (gnomAD no frequency). This premature translational stop signal has been observed in individual(s) with Charcot-Marie-Tooth disease (PMID: 25614874). ClinVar contains an entry for this variant (Variation ID: 219616). For these reasons, this variant has been classified as Pathogenic.

Athena Diagnostics
Classification: Likely pathogenic. Last evaluated: 2018-04-06. Review status: criteria provided, single submitter. Criteria: Athena Diagnostics Criteria. Collection method: clinical testing. Allele origin: germline.

Inherited Neuropathy Consortium
Classification: Pathogenic for Charcot-Marie-Tooth disease. Review status: no assertion criteria provided. Collection method: literature only. Allele origin: germline. Affected: yes. Not counted in ClinVar's aggregate classification.

Literature cited by the submitters: PubMed 23224996 (cited by Labcorp Genetics (formerly Invitae), Labcorp); PubMed 25614874 (cited by Labcorp Genetics (formerly Invitae), Labcorp and Inherited Neuropathy Consortium).